The following is an entry in ClinVar:

ClinVar aggregate classification (germline): Likely benign. Review status: criteria provided, multiple submitters, no conflicts (2 of 4 stars). 3 submissions from 3 submitters: Likely benign (3). Last evaluated 2025-03-10.

Conditions:
LTBP3-related disorder. Also called: LTBP3-related condition.
Inborn genetic diseases. Identifiers: MedGen C0950123, MeSH D030342.
Brachyolmia-amelogenesis imperfecta syndrome. Also called: PLATYSPONDYLY WITH AMELOGENESIS IMPERFECTA; Tooth agenesis, selective, 6; Dental anomalies and short stature. Identifiers: Orphanet 2899, MedGen C1832594, MONDO:0011018, OMIM 601216. Disease mechanism: loss of function.

Allele frequency attached by ClinVar (database versions not stated): gnomAD exomes 0.00001 and 0.00003; ExAC 0.00002; gnomAD 0.00003 and 0.00004; TOPMed 0.00004.
gnomAD v4.1: 47 of 1,611,620 alleles (0.0029%); highest among the groups gnomAD compares: Non-Finnish European, 0.0039%; no homozygotes.

Submissions (3):

PreventionGenetics, part of Exact Sciences
Classification: Likely benign for LTBP3-related condition. Last evaluated: 2025-03-10. Review status: criteria provided, single submitter. Criteria: ACMG Guidelines, 2015. Collection method: clinical testing. Allele origin: germline.
Comment: This variant is classified as likely benign based on ACMG/AMP sequence variant interpretation guidelines (Richards et al. 2015 PMID: 25741868, with internal and published modifications).

Labcorp Genetics (formerly Invitae), Labcorp
Classification: Likely benign for Brachyolmia-amelogenesis imperfecta syndrome. Last evaluated: 2024-03-25. Review status: criteria provided, single submitter. Criteria: Invitae Variant Classification Sherloc (09022015). Collection method: clinical testing. Allele origin: germline.

Ambry Genetics
Classification: Likely benign for Inborn genetic diseases. Last evaluated: 2019-06-13. Review status: criteria provided, single submitter. Criteria: Ambry Variant Classification Scheme 2023. Collection method: clinical testing. Allele origin: germline.

NM_001130144.3(LTBP3):c.531C>T (p.Asp177=)

Gene: LTBP3 (latent transforming growth factor beta binding protein 3; minus strand). Cytogenetic location: 11q13.1.
Variant type: single nucleotide variant.
Coding change: c.531C>T on transcript NM_001130144.3 (MANE Select); coding-DNA position 531, C replaced by T.
Protein change: p.Asp177=; no amino-acid change (aspartic acid 177 retained).
Molecular consequence: synonymous variant.
Genome position (GRCh38, 1-based): chr11:65,554,181, G>A on the plus strand (C>T on the coding strand, the complement: LTBP3 is on the minus strand). VCF-style: chr11-65554181-G-A. GRCh37 (hg19) VCF-style: chr11-65321652-G-A.
Other names: c.180C>T, p.Asp60= (NM_001164266.1); c.531C>T, p.Asp177= (NM_021070.4).
Identifiers: ClinVar variation 1606786 (VCV001606786.11), dbSNP rs777775387, ClinGen allele CA6101214.